The following is an entry in ClinVar:

ClinVar aggregate classification (germline): Pathogenic/Likely pathogenic. Review status: criteria provided, multiple submitters, no conflicts (2 of 4 stars). 2 submissions from 2 submitters: Pathogenic (1); Likely pathogenic (1). Last evaluated 2023-12-20.

Conditions:
Fraser syndrome 1 (FRASRS1). Also called: CRYPTOPHTHALMOS WITH OTHER MALFORMATIONS. Identifiers: Orphanet 2052, MedGen C4551480, MONDO:0054737, OMIM 219000.

Allele frequency attached by ClinVar (database versions not stated): TOPMed 0.00001; ExAC 0.00004; ESP Exome Variant Server 0.00008.
gnomAD v4.1: 3 of 1,556,602 alleles (0.00019%); highest among the groups gnomAD compares: African/African-American, 0.0014%; no homozygotes.

Submissions (2):

Labcorp Genetics (formerly Invitae), Labcorp
Classification: Likely pathogenic. Last evaluated: 2023-12-20. Review status: criteria provided, single submitter. Criteria: Invitae Variant Classification Sherloc (09022015). Collection method: clinical testing. Allele origin: germline.
Comment: This sequence change affects a donor splice site in intron 55 of the FRAS1 gene. It is expected to disrupt RNA splicing. Variants that disrupt the donor or acceptor splice site typically lead to a loss of protein function (PMID: 16199547), and loss-of-function variants in FRAS1 are known to be pathogenic (PMID: 12766769, 18671281). This variant is present in population databases (rs376088537, gnomAD 0.01%). This variant has not been reported in the literature in individuals affected with FRAS1-related conditions. ClinVar contains an entry for this variant (Variation ID: 916665). Algorithms developed to predict the effect of sequence changes on RNA splicing suggest that this variant may disrupt the consensus splice site. In summary, the currently available evidence indicates that the variant is pathogenic, but additional data are needed to prove that conclusively. Therefore, this variant has been classified as Likely Pathogenic.

Service de Biochimie Médicale et Biologie Moléculaire, CHU Clermont-Ferrand
Classification: Pathogenic for Fraser syndrome 1. Last evaluated: 2018-09-14. Review status: criteria provided, single submitter. Criteria: ACMG Guidelines, 2015. Collection method: clinical testing. Allele origin: inherited. Inheritance: Autosomal recessive inheritance. Affected: yes.
Comment: This variant in homozygous state or compound heterozygous state induced Fraser syndrome phenotype

Literature cited by the submitters: PubMed 16199547 (cited by Labcorp Genetics (formerly Invitae), Labcorp); PubMed 12766769 (cited by Labcorp Genetics (formerly Invitae), Labcorp); PubMed 18671281 (cited by Labcorp Genetics (formerly Invitae), Labcorp).

NM_025074.7(FRAS1):c.8098+1G>T

Gene: FRAS1 (Fraser extracellular matrix complex subunit 1; plus strand). Cytogenetic location: 4q21.21.
Variant type: single nucleotide variant.
Coding change: c.8098+1G>T on transcript NM_025074.7 (MANE Select); the canonical splice donor site of the intron after coding-DNA position 8098, G replaced by T.
Molecular consequence: splice donor variant.
Genome position (GRCh38, 1-based): chr4:78,478,062, G>T. VCF-style: chr4-78478062-G-T. GRCh37 (hg19) VCF-style: chr4-79399216-G-T.
Identifiers: ClinVar variation 916665 (VCV000916665.4), dbSNP rs376088537, ClinGen allele CA2978278.